The following is an entry in ClinVar:

ClinVar aggregate classification (germline): Uncertain significance (1 of 4 stars; one submission).

Allele frequency attached by ClinVar (database versions not stated): gnomAD exomes 0.00001.
gnomAD v4.1: 18 of 1,614,152 alleles (0.0011%); highest among the groups gnomAD compares: Non-Finnish European, 0.0015%; no homozygotes.

Submission:

Labcorp Genetics (formerly Invitae), Labcorp
Classification: Uncertain significance. Last evaluated: 2022-07-02. Review status: criteria provided, single submitter. Criteria: Invitae Variant Classification Sherloc (09022015). Collection method: clinical testing. Allele origin: germline.
Comment: This sequence change replaces tyrosine, which is neutral and polar, with cysteine, which is neutral and slightly polar, at codon 4862 of the USH2A protein (p.Tyr4862Cys). This variant is not present in population databases (gnomAD no frequency). This variant has not been reported in the literature in individuals affected with USH2A-related conditions. Algorithms developed to predict the effect of missense changes on protein structure and function are either unavailable or do not agree on the potential impact of this missense change (SIFT: "Deleterious"; PolyPhen-2: "Benign"; Align-GVGD: "Class C0"). In summary, the available evidence is currently insufficient to determine the role of this variant in disease. Therefore, it has been classified as a Variant of Uncertain Significance.

NM_206933.4(USH2A):c.14585A>G (p.Tyr4862Cys)

Gene: USH2A (usherin; minus strand). Cytogenetic location: 1q41.
Variant type: single nucleotide variant.
Coding change: c.14585A>G on transcript NM_206933.4 (MANE Select); coding-DNA position 14585, A replaced by G.
Protein change: p.Tyr4862Cys; replaces tyrosine 4862 with cysteine.
Molecular consequence: missense variant.
Genome position (GRCh38, 1-based): chr1:215,647,728, T>C on the plus strand (A>G on the coding strand, the complement: USH2A is on the minus strand). VCF-style: chr1-215647728-T-C. GRCh37 (hg19) VCF-style: chr1-215821070-T-C.
Other names: short protein forms Y4862C.
Identifiers: ClinVar variation 1916589 (VCV001916589.2), dbSNP rs1450114363, ClinGen allele CA344832334.
Genomic context (GRCh38, chr1:215,647,728, plus strand): 5'-TGGCTGGGAGTACAGGGGAGGGCTGAGTCAGGAGGGCAAGCCACGTGGAATTGGAGTTCA[T>C]AGCTAAAATGAGAATGGATACGTAGAGTCAAGACGGGTAATGGAATTAGTTTAACTCTCT-3'
Protein context (NP_996816.3, residues 4852-4872): PMFPNGVIHS[Tyr4862Cys]ELQFHVACPP